The following is an entry in ClinVar:

ClinVar aggregate classification (germline): Likely benign. Review status: criteria provided, multiple submitters, no conflicts (2 of 4 stars). 4 submissions from 4 submitters: Likely benign (3). 1 of the submissions does not count toward it. Last evaluated 2026-01-28.

Conditions:
SKIC3-related disorder. Also called: SKIC3-related condition.

Allele frequency attached by ClinVar (database versions not stated): gnomAD exomes 0.00012 and 0.00037; ExAC 0.00048; 1000 Genomes Project 30x 0.00062; 1000 Genomes Project 0.00080; gnomAD 0.00151 and 0.00161; TOPMed 0.00170; ESP Exome Variant Server 0.00238.
gnomAD v4.1: 415 of 1,614,128 alleles (0.026%); highest among the groups gnomAD compares: African/African-American, 0.49%; 3 homozygotes.

Submissions (4):

Labcorp Genetics (formerly Invitae), Labcorp
Classification: Likely benign. Last evaluated: 2026-01-28. Review status: criteria provided, single submitter. Criteria: Invitae Variant Classification Sherloc (09022015). Collection method: clinical testing. Allele origin: germline.

CeGaT Center for Human Genetics Tuebingen
Classification: Likely benign. Last evaluated: 2025-12-01. Review status: criteria provided, single submitter. Criteria: CeGaT Center For Human Genetics Tuebingen Variant Classification Criteria Version 2. Collection method: clinical testing. Allele origin: germline. Affected: yes. Observed: 1 variant allele.
Comment: SKIC3: BP4, BS2

ARUP Laboratories, Molecular Genetics and Genomics, ARUP Laboratories
Classification: Likely benign. Last evaluated: 2023-08-10. Review status: criteria provided, single submitter. Criteria: ARUP Molecular Germline Variant Investigation Process 2024. Collection method: clinical testing. Allele origin: germline.

PreventionGenetics, part of Exact Sciences
Classification: Likely benign for SKIC3-related condition. Last evaluated: 2021-08-10. Review status: no assertion criteria provided. Collection method: clinical testing. Allele origin: germline. Not counted in ClinVar's aggregate classification.
Comment: This variant is classified as likely benign based on ACMG/AMP sequence variant interpretation guidelines (Richards et al. 2015 PMID: 25741868, with internal and published modifications).

NM_014639.4(SKIC3):c.4004G>A (p.Gly1335Asp)

Gene: SKIC3 (SKI3 subunit of superkiller complex; minus strand). Cytogenetic location: 5q15.
Variant type: single nucleotide variant.
Coding change: c.4004G>A on transcript NM_014639.4 (MANE Select); coding-DNA position 4004, G replaced by A.
Protein change: p.Gly1335Asp; replaces glycine 1335 with aspartic acid.
Molecular consequence: missense variant.
Genome position (GRCh38, 1-based): chr5:95,484,773, C>T on the plus strand (G>A on the coding strand, the complement: SKIC3 is on the minus strand). VCF-style: chr5-95484773-C-T. GRCh37 (hg19) VCF-style: chr5-94820477-C-T.
Other names: short protein forms G1335D.
Identifiers: ClinVar variation 703237 (VCV000703237.19), dbSNP rs147273993, ClinGen allele CA3346524.
Genomic context (GRCh38, chr5:95,484,773, plus strand): 5'-CCATAAAATACCTTTGTGCAGAGAGTTTCAGCTTCAGATATTCTTCCTGTGTCTATTAGA[C>T]CAGTGACAGCTTGTGAGAGAGACCACTTTTCAAGGGACTGGTTGTAATTTTCAAAGAATT-3'
Protein context (NP_055454.1, residues 1325-1345): EKWSLSQAVT[Gly1335Asp]LIDTGRISEA